The following is an entry in ClinVar:

ClinVar aggregate classification (germline): Uncertain significance. Review status: criteria provided, multiple submitters, no conflicts (2 of 4 stars). 2 submissions from 2 submitters: Uncertain significance (2). Last evaluated 2024-03-11.

Conditions:
Fanconi anemia complementation group P. Also called: SLX4-Related Fanconi Anemia. Identifiers: Orphanet 84, MedGen C3469542, MONDO:0013499, OMIM 613951.
Fanconi anemia (FA). Also called: Fanconi's anemia. Identifiers: Orphanet 84, MedGen C0015625, MeSH D005199, MONDO:0019391.

Allele frequency attached by ClinVar (database versions not stated): ExAC 0.00003; gnomAD exomes 0.00005; TOPMed 0.00006; ESP Exome Variant Server 0.00015.
gnomAD v4.1: 171 of 1,614,024 alleles (0.011%); highest among the groups gnomAD compares: Non-Finnish European, 0.014%; no homozygotes.

Submissions (2):

Fulgent Genetics
Classification: Uncertain significance for Fanconi anemia complementation group P. Last evaluated: 2024-03-11. Review status: criteria provided, single submitter. Criteria: ACMG Guidelines, 2015. Collection method: clinical testing. Allele origin: germline.

Labcorp Genetics (formerly Invitae), Labcorp
Classification: Uncertain significance for Fanconi anemia. Last evaluated: 2023-08-16. Review status: criteria provided, single submitter. Criteria: Invitae Variant Classification Sherloc (09022015). Collection method: clinical testing. Allele origin: germline.
Comment: An algorithm developed to predict the effect of missense changes on protein structure and function (PolyPhen-2) suggests that this variant¬†is likely to be tolerated. ClinVar contains an entry for this variant (Variation ID: 935264). This variant has not been reported in the literature in individuals affected with SLX4-related conditions. This variant is present in population databases (rs148542931, gnomAD 0.01%). This sequence change replaces glutamic acid, which is acidic and polar, with glutamine, which is neutral and polar, at codon 1523 of the SLX4 protein (p.Glu1523Gln). In summary, the available evidence is currently insufficient to determine the role of this variant in disease. Therefore, it has been classified as a Variant of Uncertain Significance.

NM_032444.4(SLX4):c.4567G>C (p.Glu1523Gln)

Gene: SLX4 (SLX4 structure-specific endonuclease subunit; minus strand). Cytogenetic location: 16p13.3.
Variant type: single nucleotide variant.
Coding change: c.4567G>C on transcript NM_032444.4 (MANE Select); coding-DNA position 4567, G replaced by C.
Protein change: p.Glu1523Gln; replaces glutamic acid 1523 with glutamine.
Molecular consequence: missense variant.
Genome position (GRCh38, 1-based): chr16:3,589,071, C>G on the plus strand (G>C on the coding strand, the complement: SLX4 is on the minus strand). VCF-style: chr16-3589071-C-G. GRCh37 (hg19) VCF-style: chr16-3639072-C-G.
Other names: short protein forms E1523Q.
Identifiers: ClinVar variation 935264 (VCV000935264.6), dbSNP rs148542931, ClinGen allele CA7865599.